The following is an entry in ClinVar:

ClinVar aggregate classification (germline): Uncertain significance. Review status: reviewed by expert panel (3 of 4 stars). 3 submissions from 3 submitters: Uncertain significance (1). 2 of the submissions do not count toward it. Last evaluated 2019-03-31.

Conditions:
Phenylketonuria (PKU). Also called: Phenylketonuria (PKU); FOLLING DISEASE; OLIGOPHRENIA PHENYLPYRUVICA; Phenylketonurias. Identifiers: Orphanet 716, MedGen C0031485, MONDO:0009861, OMIM 261600. Disease mechanism: loss of function.

Submissions (3):

ClinGen PAH Variant Curation Expert Panel
Classification: Uncertain significance for Phenylketonuria. Last evaluated: 2019-03-31. Review status: reviewed by expert panel. Criteria: ClinGen PAH ACMG Specifications v1. Collection method: curation. Allele origin: germline. Inheritance: Autosomal recessive inheritance.
Comment: The NM_000277.2:c.1271T>C (p.Leu424Ser) variant in PAH has not been reported in the medical literature. This variant is absent from 1000G, ESP, ExAC, and gnomAD. A deleterious effect is predicted in SIFT, Polyphen-2, and REVEL=0.966. Overall, there is not enough evidence to classify the p.Leu424Ser variant with certainty. PAH-specific ACMG/AMP criteria applied: PM2, PP3.

Labcorp Genetics (formerly Invitae), Labcorp
Classification: Uncertain significance for Phenylketonuria. Last evaluated: 2025-06-01. Review status: criteria provided, single submitter. Criteria: Invitae Variant Classification Sherloc (09022015). Collection method: clinical testing. Allele origin: germline. Not counted in ClinVar's aggregate classification.
Comment: This sequence change replaces leucine, which is neutral and non-polar, with serine, which is neutral and polar, at codon 424 of the PAH protein (p.Leu424Ser). This variant is not present in population databases (gnomAD no frequency). This missense change has been observed in individual(s) with phenylketonuria (PMID: 32668217). ClinVar contains an entry for this variant (Variation ID: 102584). Invitae Evidence Modeling of protein sequence and biophysical properties (such as structural, functional, and spatial information, amino acid conservation, physicochemical variation, residue mobility, and thermodynamic stability) indicates that this missense variant is not expected to disrupt PAH protein function with a negative predictive value of 80%. In summary, the available evidence is currently insufficient to determine the role of this variant in disease. Therefore, it has been classified as a Variant of Uncertain Significance.

DeBelle Laboratory for Biochemical Genetics, MUHC/MCH RESEARCH INSTITUTE
No classification provided. Review status: no classification provided. Collection method: not provided. Allele origin: not provided. Not counted in ClinVar's aggregate classification.

Literature cited by the submitters: PubMed 32668217 (cited by Labcorp Genetics (formerly Invitae), Labcorp).

NM_000277.3(PAH):c.1271T>C (p.Leu424Ser)

Gene: PAH (phenylalanine hydroxylase; minus strand). Cytogenetic location: 12q23.2.
Variant type: single nucleotide variant.
Coding change: c.1271T>C on transcript NM_000277.3 (MANE Select); coding-DNA position 1271, T replaced by C.
Protein change: p.Leu424Ser; replaces leucine 424 with serine.
Molecular consequence: missense variant.
Genome position (GRCh38, 1-based): chr12:102,840,444, A>G on the plus strand (T>C on the coding strand, the complement: PAH is on the minus strand). VCF-style: chr12-102840444-A-G. GRCh37 (hg19) VCF-style: chr12-103234222-A-G.
Other names: c.1271T>C, p.Leu424Ser (NM_001354304.2); short protein forms L424S.
Identifiers: ClinVar variation 102584 (VCV000102584.3), dbSNP rs199475670, ClinGen allele CA229424.